The following is an entry in ClinVar:

ClinVar aggregate classification (germline): Pathogenic (1 of 4 stars; one submission).

Conditions:
X-linked hydrocephalus syndrome (HYCX). Also called: X-Linked Hydrocephalus with Stenosis of the Aqueduct of Sylvius (HSAS); AQUEDUCTAL STENOSIS, X-LINKED; X-Linked Hydrocephalus with Stenosis of the Aqueduct of Sylvius; X-linked hydrocephalus; HYDROCEPHALUS, CONGENITAL, X-LINKED. Identifiers: Orphanet 2182, MedGen C0265216, MONDO:0010611, OMIM 307000.
MASA syndrome. Also called: MASA (Mental Retardation, Adducted Thumbs, Shuffling Gait, Aphasia) Syndrome, Including SPG1 (X-Linked Complicated Hereditary Spastic Paraplegia Type 1); ADDUCTED THUMB WITH MENTAL RETARDATION; CLASPED THUMB AND MENTAL RETARDATION; GAREIS-MASON SYNDROME; MENTAL RETARDATION, APHASIA, SHUFFLING GAIT, AND ADDUCTED THUMBS; SPASTIC PARAPLEGIA 1, X-LINKED. Identifiers: Orphanet 2466, MedGen C0795953, MONDO:0010559, OMIM 303350.
X-linked complicated corpus callosum dysgenesis. Also called: X-Linked Complicated Corpus Callosum Agenesis. Identifiers: Orphanet 1497, MedGen C1839909, MONDO:0010569, OMIM 304100.

Submission:

Juno Genomics, Hangzhou Juno Genomics, Inc
Classification: Pathogenic for X-linked complicated corpus callosum dysgenesis; X-linked hydrocephalus syndrome; MASA syndrome. Review status: criteria provided, single submitter. Criteria: ACMG Guidelines, 2015. Collection method: clinical testing. Allele origin: germline. Affected: yes.
Comment: Absent from controls (or at extremely low frequency if recessive) in Genome Aggregation Database, Exome Sequencing Project, 1000 Genomes Project, or Exome Aggregation Consortium.;Null variant in a gene where loss of function (LOF) is a known mechanism of disease.;Patient's phenotype or family history is highly specific for a disease with a single genetic etiology.

NM_001278116.2(L1CAM):c.458C>G (p.Ser153Ter)

Gene: L1CAM (L1 cell adhesion molecule; minus strand). Cytogenetic location: Xq28.
Variant type: single nucleotide variant.
Coding change: c.458C>G on transcript NM_001278116.2 (MANE Select); coding-DNA position 458, C replaced by G.
Protein change: p.Ser153Ter; replaces serine 153 with a stop codon.
Molecular consequence: nonsense.
Genome position (GRCh38, 1-based): chrX:153,871,122, G>C on the plus strand (C>G on the coding strand, the complement: L1CAM is on the minus strand). VCF-style: chrX-153871122-G-C. GRCh37 (hg19) VCF-style: chrX-153136577-G-C.
Other names: c.458C>G, p.Ser153Ter (NM_000425.5, NM_024003.3); c.443C>G, p.Ser148Ter (NM_001143963.2); short protein forms S148*, S153*.
Identifiers: ClinVar variation 4531274 (VCV004531274.1).
Genomic context (GRCh38, chrX:153,871,122, plus strand): 5'-TTCATCCAGTAGATCCGGAGAGGCTCTGCACTTGGGGGAGGGTTGCAAGGCAGAACCACT[G>C]ACTCCCCTTCCTCCACCTCCACGGGCTTCACTGTCTCCTTTGGCCACTTGGGGGCACCTA-3'